The following is an entry in ClinVar:

NM_001395413.1(POR):c.234del (p.Asn79fs)

Gene: POR (cytochrome p450 oxidoreductase; plus strand). Cytogenetic location: 7q11.23.
Variant type: Deletion.
Coding change: c.234del on transcript NM_001395413.1 (MANE Select); coding-DNA position 234, one base deleted (G; older notation c.234delG).
Protein change: p.Asn79fs; shifts the reading frame from asparagine 79.
Molecular consequence: frameshift variant.
Genome position (GRCh38, 1-based): chr7:75,979,456, G deleted; the last of 2 consecutive G bases (chr7:75,979,455-75,979,456); deleting either gives the same sequence. VCF-style (leftmost placement, unchanged base first): chr7-75979454-AG-A. GRCh37 (hg19) VCF-style: chr7-75608772-AG-A.
Other names: c.234del, p.Asn79fs (NM_001367562.3, NM_001382657.2, NM_001382658.3 and 2 more transcripts); c.288del, p.Asn97fs (NM_001382655.3); short protein forms N79fs, N97fs.
Identifiers: ClinVar variation 3611661 (VCV003611661.2).

ClinVar aggregate classification (germline): Pathogenic (1 of 4 stars; one submission).

Conditions:
Congenital adrenal hyperplasia due to cytochrome P450 oxidoreductase deficiency. Also called: DISORDERED STEROIDOGENESIS DUE TO POR DEFICIENCY. Identifiers: Orphanet 95699, MedGen C1860042, MONDO:0013310, OMIM 613571.

Submission:

Labcorp Genetics (formerly Invitae), Labcorp
Classification: Pathogenic for Congenital adrenal hyperplasia due to cytochrome P450 oxidoreductase deficiency. Last evaluated: 2024-06-13. Review status: criteria provided, single submitter. Criteria: Invitae Variant Classification Sherloc (09022015). Collection method: clinical testing. Allele origin: germline.
Comment: This sequence change creates a premature translational stop signal (p.Asn82Thrfs*44) in the POR gene. It is expected to result in an absent or disrupted protein product. Loss-of-function variants in POR are known to be pathogenic (PMID: 14758361, 20732302, 21741353). This variant is not present in population databases (gnomAD no frequency). This variant has not been reported in the literature in individuals affected with POR-related conditions. For these reasons, this variant has been classified as Pathogenic.

Literature cited by the submitters: PubMed 14758361; PubMed 20732302; PubMed 21741353.